The following is an entry in ClinVar:

NM_001440.4(EXTL3):c.523C>T (p.Arg175Trp)

Gene: EXTL3 (exostosin like glycosyltransferase 3; plus strand). Cytogenetic location: 8p21.1.
Variant type: single nucleotide variant.
Coding change: c.523C>T on transcript NM_001440.4 (MANE Select); coding-DNA position 523, C replaced by T.
Protein change: p.Arg175Trp; replaces arginine 175 with tryptophan.
Molecular consequence: missense variant.
Genome position (GRCh38, 1-based): chr8:28,716,582, C>T. VCF-style: chr8-28716582-C-T. GRCh37 (hg19) VCF-style: chr8-28574099-C-T.
Other names: c.523C>T (NM_001440.2); short protein forms R175W.
Identifiers: ClinVar variation 2191368 (VCV002191368.4), dbSNP rs148681587, ClinGen allele CA4696015.

ClinVar aggregate classification (germline): Uncertain significance. Review status: criteria provided, multiple submitters, no conflicts (2 of 4 stars). 3 submissions from 3 submitters: Uncertain significance (3). Last evaluated 2025-03-04.

Conditions:
Inborn genetic diseases. Identifiers: MedGen C0950123, MeSH D030342.

Allele frequency attached by ClinVar (database versions not stated): ESP Exome Variant Server 0.00008; 1000 Genomes Project 30x 0.00031; 1000 Genomes Project 0.00040.
gnomAD v4.1: 122 of 1,614,204 alleles (0.0076%); highest among the groups gnomAD compares: Non-Finnish European, 0.0092%; no homozygotes.

Submissions (3):

Ambry Genetics
Classification: Uncertain significance for Inborn genetic diseases. Last evaluated: 2025-03-04. Review status: criteria provided, single submitter. Criteria: Ambry Variant Classification Scheme 2023. Collection method: clinical testing. Allele origin: germline.

Blueprint Genetics
Classification: Uncertain significance. Last evaluated: 2023-09-20. Review status: criteria provided, single submitter. Criteria: ACMG Guidelines, 2015. Collection method: clinical testing. Allele origin: germline.

Labcorp Genetics (formerly Invitae), Labcorp
Classification: Uncertain significance. Last evaluated: 2022-10-25. Review status: criteria provided, single submitter. Criteria: Invitae Variant Classification Sherloc (09022015). Collection method: clinical testing. Allele origin: germline.
Comment: This sequence change replaces arginine, which is basic and polar, with tryptophan, which is neutral and slightly polar, at codon 175 of the EXTL3 protein (p.Arg175Trp). This variant is present in population databases (rs148681587, gnomAD 0.01%). This variant has not been reported in the literature in individuals affected with EXTL3-related conditions. Advanced modeling of protein sequence and biophysical properties (such as structural, functional, and spatial information, amino acid conservation, physicochemical variation, residue mobility, and thermodynamic stability) performed at Invitae indicates that this missense variant is not expected to disrupt EXTL3 protein function. In summary, the available evidence is currently insufficient to determine the role of this variant in disease. Therefore, it has been classified as a Variant of Uncertain Significance.